The following is an entry in ClinVar:

NM_000130.5(F5):c.3504A>C (p.Thr1168=)

Gene: F5 (coagulation factor V; minus strand). Cytogenetic location: 1q24.2.
Variant type: single nucleotide variant.
Coding change: c.3504A>C on transcript NM_000130.5 (MANE Select); coding-DNA position 3504, A replaced by C.
Protein change: p.Thr1168=; no amino-acid change (threonine 1168 retained).
Molecular consequence: synonymous variant.
Genome position (GRCh38, 1-based): chr1:169,541,586, T>G on the plus strand (A>C on the coding strand, the complement: F5 is on the minus strand). VCF-style: chr1-169541586-T-G. GRCh37 (hg19) VCF-style: chr1-169510824-T-G.
Identifiers: ClinVar variation 293605 (VCV000293605.14), dbSNP rs13306332, ClinGen allele CA1233897.

ClinVar aggregate classification (germline): Benign/Likely benign. Review status: criteria provided, multiple submitters, no conflicts (2 of 4 stars). 5 submissions from 3 submitters: Benign (3); Likely benign (2). Last evaluated 2026-01-28.

Conditions:
Inborn genetic diseases. Identifiers: MedGen C0950123, MeSH D030342.
Thrombophilia due to thrombin defect (THPH1). Also called: Thrombosis susceptibility; THROMBOPHILIA DUE TO FACTOR 2 DEFECT; Prothrombin-Related Thrombophilia (Factor II); Prothrombin Thrombophilia. Identifiers: MedGen C3160733, MONDO:0008559, OMIM 188050. Disease mechanism: gain of function, loss of function.
Factor V deficiency. Also called: Reduced coagulation factor V activity. Identifiers: Orphanet 326, MedGen C4317320, MONDO:0020586, HP:0003225.
Congenital factor V deficiency. Also called: Hereditary factor V deficiency disease; LABILE FACTOR DEFICIENCY; PARAHEMOPHILIA; OWREN PARAHEMOPHILIA. Identifiers: Orphanet 326, MedGen C0015499, MONDO:0009210, OMIM 227400.
Budd-Chiari syndrome (BDCHS). Also called: Hepatic vein obstruction. Identifiers: Orphanet 131, MedGen C0856761, MONDO:0010947, OMIM 600880, HP:0002639.

Allele frequency attached by ClinVar (database versions not stated): gnomAD exomes 0.00073 and 0.00224; gnomAD 0.00077 and 0.00111; TOPMed 0.00101; ExAC 0.00206; 1000 Genomes Project 30x 0.00578; 1000 Genomes Project 0.00619.
gnomAD v4.1: 1,242 of 1,614,142 alleles (0.077%); highest among the groups gnomAD compares: East Asian, 2.6%; 22 homozygotes.

Submissions (5):

Labcorp Genetics (formerly Invitae), Labcorp
Classification: Benign for Congenital factor V deficiency. Last evaluated: 2026-01-28. Review status: criteria provided, single submitter. Criteria: Invitae Variant Classification Sherloc (09022015). Collection method: clinical testing. Allele origin: germline.

Ambry Genetics
Classification: Likely benign for Inborn genetic diseases. Last evaluated: 2023-11-06. Review status: criteria provided, single submitter. Criteria: Ambry Variant Classification Scheme 2023. Collection method: clinical testing. Allele origin: germline.

Illumina Laboratory Services, Illumina
Classification: Benign for Congenital factor V deficiency. Last evaluated: 2018-01-12. Review status: criteria provided, single submitter. Criteria: ICSL Variant Classification Criteria 13 December 2019. Collection method: clinical testing. Allele origin: germline.
Comment: This variant was observed in the ICSL laboratory as part of a predisposition screen in an ostensibly healthy population. It had not been previously curated by ICSL or reported in the Human Gene Mutation Database (HGMD: prior to June 1st, 2018), and was therefore a candidate for classification through an automated scoring system. Utilizing variant allele frequency, disease prevalence and penetrance estimates, and inheritance mode, an automated score was calculated to assess if this variant is too frequent to cause the disease. Based on the score and internal cut-off values, a variant classified as benign is not then subjected to further curation. The score for this variant resulted in a classification of benign for this disease.

Illumina Laboratory Services, Illumina
Classification: Benign for Budd-Chiari syndrome. Last evaluated: 2018-01-12. Review status: criteria provided, single submitter. Criteria: ICSL Variant Classification Criteria 13 December 2019. Collection method: clinical testing. Allele origin: germline.
Comment: the same text as in the submission from Illumina Laboratory Services, Illumina above.

Illumina Laboratory Services, Illumina
Classification: Likely benign for Venous thrombosis. Last evaluated: 2018-01-12. Review status: criteria provided, single submitter. Criteria: ICSL Variant Classification Criteria 13 December 2019. Collection method: clinical testing. Allele origin: germline.
Comment: This variant was observed in the ICSL laboratory as part of a predisposition screen in an ostensibly healthy population. It had not been previously curated by ICSL or reported in the Human Gene Mutation Database (HGMD: prior to June 1st, 2018), and was therefore a candidate for classification through an automated scoring system. Utilizing variant allele frequency, disease prevalence and penetrance estimates, and inheritance mode, an automated score was calculated to assess if this variant is too frequent to cause the disease. Based on the score and internal cut-off values, a variant classified as likely benign is not then subjected to further curation. The score for this variant resulted in a classification of likely benign for this disease.